The following is an entry in ClinVar:

NM_207352.4(CYP4V2):c.1027T>G (p.Tyr343Asp)

Gene: CYP4V2 (cytochrome P450 family 4 subfamily V member 2; plus strand). Cytogenetic location: 4q35.2.
Variant type: single nucleotide variant.
Coding change: c.1027T>G on transcript NM_207352.4 (MANE Select); coding-DNA position 1027, T replaced by G.
Protein change: p.Tyr343Asp; replaces tyrosine 343 with aspartic acid.
Molecular consequence: missense variant.
Genome position (GRCh38, 1-based): chr4:186,205,239, T>G. VCF-style: chr4-186205239-T-G. GRCh37 (hg19) VCF-style: chr4-187126393-T-G.
Other names: short protein forms Y343D.
Identifiers: ClinVar variation 3720604 (VCV003720604.2).
Genomic context (GRCh38, chr4:186,205,239, plus strand): 5'-TATTGTTTTCTGCATTTGTAGGGGCACGATACAACTGCAGCTGCAATAAACTGGTCCTTA[T>G]ACCTGTTGGGTTCTAACCCAGAAGTCCAGAAAAAAGTGGATCATGAATTGGATGACGTGT-3'
Protein context (NP_997235.3, residues 333-353): TTAAAINWSL[Tyr343Asp]LLGSNPEVQK

ClinVar aggregate classification (germline): Pathogenic (1 of 4 stars; one submission).

Submission:

Labcorp Genetics (formerly Invitae), Labcorp
Classification: Pathogenic. Last evaluated: 2024-11-28. Review status: criteria provided, single submitter. Criteria: Invitae Variant Classification Sherloc (09022015). Collection method: clinical testing. Allele origin: germline.
Comment: This sequence change replaces tyrosine, which is neutral and polar, with aspartic acid, which is acidic and polar, at codon 343 of the CYP4V2 protein (p.Tyr343Asp). This variant is not present in population databases (gnomAD no frequency). This missense change has been observed in individuals with Bietti crystalline corneoretinal dystrophy and/or retinitis pigmentosa (PMID: 24154662, 25356976, 25593508, 31054281, 33816482, 36729443). Invitae Evidence Modeling of protein sequence and biophysical properties (such as structural, functional, and spatial information, amino acid conservation, physicochemical variation, residue mobility, and thermodynamic stability) indicates that this missense variant is expected to disrupt CYP4V2 protein function with a positive predictive value of 80%. For these reasons, this variant has been classified as Pathogenic.

Literature cited by the submitters: PubMed 24154662; PubMed 25356976; PubMed 25593508; PubMed 31054281; PubMed 33816482; PubMed 36729443.